The following is an entry in ClinVar:

NC_000023.10:g.(?_73744174)_(73749296_?)del

Gene: SLC16A2 (solute carrier family 16 member 2; plus strand). Cytogenetic location: Xq13.2.
Variant type: Deletion.
Identifiers: ClinVar variation 2425603 (VCV002425603.3).

ClinVar aggregate classification (germline): Pathogenic (1 of 4 stars; one submission).

Conditions:
Spastic paraplegia. Identifiers: MedGen C0037772, HP:0001258.

Submission:

Labcorp Genetics (formerly Invitae), Labcorp
Classification: Pathogenic for Spastic paraplegia. Last evaluated: 2022-08-13. Review status: criteria provided, single submitter. Criteria: Invitae Variant Classification Sherloc (09022015). Collection method: clinical testing. Allele origin: germline.
Comment: For these reasons, this variant has been classified as Pathogenic. This variant disrupts a region of the SLC16A2 protein in which other variant(s) (p.Gly327Arg) have been determined to be pathogenic (PMID: 20083155, 23744248, 30369548). This suggests that this is a clinically significant region of the protein, and that variants that disrupt it are likely to be disease-causing. A similar copy number variant has been observed in individual(s) with monocarboxylate transporter 8 deficiency (PMID: 32559475). This variant is a gross deletion of the genomic region encompassing exon(s) 3-5 of the SLC16A2 gene. While this deletion is not anticipated to lead to nonsense mediated decay, it is expected to disrupt the C-terminus of the protein.

Literature cited by the submitters: PubMed 20083155; PubMed 23744248; PubMed 30369548; PubMed 32559475.